The following is an entry in ClinVar:

NM_001205293.3(CACNA1E):c.6175C>T (p.Arg2059Trp)

Gene: CACNA1E (calcium voltage-gated channel subunit alpha1 E; plus strand). Cytogenetic location: 1q25.3.
Variant type: single nucleotide variant.
Coding change: c.6175C>T on transcript NM_001205293.3 (MANE Select); coding-DNA position 6175, C replaced by T.
Protein change: p.Arg2059Trp; replaces arginine 2059 with tryptophan.
Molecular consequence: missense variant.
Genome position (GRCh38, 1-based): chr1:181,795,011, C>T. VCF-style: chr1-181795011-C-T. GRCh37 (hg19) VCF-style: chr1-181764147-C-T.
Other names: c.6046C>T, p.Arg2016Trp (NM_000721.4); c.5989C>T, p.Arg1997Trp (NM_001205294.2); c.6046C>T (NM_000721.3); short protein forms R1997W, R2059W, R2016W.
Identifiers: ClinVar variation 3136341 (VCV003136341.3), dbSNP rs750165512, ClinGen allele CA1276337.

ClinVar aggregate classification (germline): Uncertain significance. Review status: criteria provided, multiple submitters, no conflicts (2 of 4 stars). 2 submissions from 2 submitters: Uncertain significance (2). Last evaluated 2026-01-21.

Conditions:
Inborn genetic diseases. Identifiers: MedGen C0950123, MeSH D030342.

Allele frequency attached by ClinVar (database versions not stated): TOPMed below 0.00001; ExAC 0.00001; gnomAD 0.00001.
gnomAD v4.1: 8 of 1,613,834 alleles (0.0005%); highest among the groups gnomAD compares: African/African-American, 0.0013%; no homozygotes.

Submissions (2):

GeneDx
Classification: Uncertain significance. Last evaluated: 2026-01-21. Review status: criteria provided, single submitter. Criteria: GeneDx Variant Classification Process June 2021. Collection method: clinical testing. Allele origin: germline.
Comment: In silico analysis supports that this missense variant has a deleterious effect on protein structure/function; Has not been previously published as pathogenic or benign to our knowledge

Ambry Genetics
Classification: Uncertain significance for Inborn genetic diseases. Last evaluated: 2024-03-07. Review status: criteria provided, single submitter. Criteria: Ambry Variant Classification Scheme 2023. Collection method: clinical testing. Allele origin: germline.